The following is an entry in ClinVar:

NM_002474.3(MYH11):c.1570C>T (p.Arg524Ter)

Gene: MYH11 (myosin heavy chain 11; minus strand). Cytogenetic location: 16p13.11.
Variant type: single nucleotide variant.
Coding change: c.1570C>T on transcript NM_002474.3 (MANE Select); coding-DNA position 1570, C replaced by T.
Protein change: p.Arg524Ter; replaces arginine 524 with a stop codon.
Molecular consequence: nonsense.
Genome position (GRCh38, 1-based): chr16:15,757,832, G>A on the plus strand (C>T on the coding strand, the complement: MYH11 is on the minus strand). VCF-style: chr16-15757832-G-A. GRCh37 (hg19) VCF-style: chr16-15851689-G-A.
Other names: c.1591C>T, p.Arg531Ter (NM_001040113.2, NM_001040114.2); c.1570C>T, p.Arg524Ter (NM_022844.3); short protein forms R524*, R531*.
Identifiers: ClinVar variation 1332423 (VCV001332423.2), dbSNP rs2151274829, ClinGen allele CA394870644.

ClinVar aggregate classification (germline): Uncertain significance (1 of 4 stars; one submission).

Conditions:
Familial thoracic aortic aneurysm and aortic dissection (TAAD). Also called: Thoracic aortic aneurysms and dissections. Identifiers: Orphanet 91387, MedGen C4707243, MONDO:0019625.

gnomAD v4.1: 1 of 1,614,190 alleles (0.000062%); highest among the groups gnomAD compares: South Asian, 0.0011%; no homozygotes.

Submission:

Color Diagnostics, LLC DBA Color Health
Classification: Uncertain significance for Familial thoracic aortic aneurysm and aortic dissection. Last evaluated: 2021-03-17. Review status: criteria provided, single submitter. Criteria: ACMG Guidelines, 2015. Collection method: clinical testing. Allele origin: germline.
Comment: This variant changes 1 nucleotide in exon 14 of the MYH11 gene, creating a premature translation stop signal. This variant is expected to result in an absent or non-functional protein product. To our knowledge, this variant has been reported in homozygous state in three related fetuses affected with megacystis-microcolon-intestinal-hypoperistalsis syndrome and in heterozygous state in their unaffected parents (PMID: 32621347). This variant has not been identified in the general population by the Genome Aggregation Database (gnomAD). The role of loss-of-function MYH11 truncation variants in autosomal dominant cardiovascular disorders is not clearly established. The available evidence is insufficient to determine the role of this variant in disease conclusively. Therefore, this variant is classified as a Variant of Uncertain Significance.